The following is an entry in ClinVar:

ClinVar aggregate classification (germline): Benign. Review status: criteria provided, multiple submitters, no conflicts (2 of 4 stars). 2 submissions from 2 submitters: Benign (2). Last evaluated 2019-04-19.

Allele frequency attached by ClinVar (database versions not stated): gnomAD exomes 0.67268; ESP Exome Variant Server 0.73100; gnomAD 0.73469 and 0.73869; TOPMed 0.76102; 1000 Genomes Project 30x 0.84244; 1000 Genomes Project 0.84465.
gnomAD v4.1: 1,083,710 of 1,593,118 alleles (68%); highest among the groups gnomAD compares: East Asian, 100%; 375,681 homozygotes.

Submissions (2):

GeneDx
Classification: Benign. Last evaluated: 2019-04-19. Review status: criteria provided, single submitter. Criteria: GeneDx Variant Classification Process June 2021. Collection method: clinical testing. Allele origin: germline. Affected: yes.
Comment: This variant is associated with the following publications: (PMID: 31073882, 30531825)

Breakthrough Genomics
Classification: Benign. Review status: criteria provided, single submitter. Criteria: ACMG Guidelines, 2015. Collection method: not provided. Allele origin: germline. Inheritance: Unknown mechanism. Affected: yes.

NM_001290212.2(TSPAN10):c.416A>G (p.Tyr139Cys)

Gene: TSPAN10 (tetraspanin 10; plus strand). Cytogenetic location: 17q25.3.
Variant type: single nucleotide variant.
Coding change: c.416A>G on transcript NM_001290212.2 (MANE Select); coding-DNA position 416, A replaced by G.
Protein change: p.Tyr139Cys; replaces tyrosine 139 with cysteine.
Molecular consequence: missense variant. On other transcripts: non-coding transcript variant (1).
Genome position (GRCh38, 1-based): chr17:81,645,371, A>G. VCF-style: chr17-81645371-A-G. GRCh37 (hg19) VCF-style: chr17-79612397-A-G.
Other names: c.416A>G, p.Tyr139Cys (NM_031945.5); short protein forms Y139C.
Identifiers: ClinVar variation 1251449 (VCV001251449.3), dbSNP rs6420484, ClinGen allele CA8838740.